The following is an entry in ClinVar:

ClinVar aggregate classification (germline): Pathogenic/Likely pathogenic. Review status: criteria provided, multiple submitters, no conflicts (2 of 4 stars). 3 submissions from 3 submitters: Pathogenic (1); Likely pathogenic (2). Last evaluated 2025-11-16.

Conditions:
CYP11B2-related disorder.
Corticosterone methyl oxidase type II deficiency.

Allele frequency attached by ClinVar (database versions not stated): gnomAD exomes 0.00001 and below 0.00001; TOPMed below 0.00001; ExAC 0.00001.

Submissions (3):

Natera, Inc.
Classification: Likely pathogenic for Corticosterone methyl oxidase type II deficiency. Last evaluated: 2025-11-16. Review status: criteria provided, single submitter. Criteria: Natera Variant Classification Schema (03/2026). Collection method: clinical testing. Allele origin: germline.
Comment: The c.304C>T variant in CYP11B2 is a nonsense variant predicted to introduce a stop codon at amino acid 102. This variant is expected to result in nonsense mediated decay, truncation, or a dysfunctional protein product. This variant is rare in the general population with a frequency below the threshold expected for the associated phenotype(s). Given the available evidence, this variant is classified as Likely Pathogenic.

Clinical Biochemistry Laboratory, Health Services Laboratory
Classification: Likely pathogenic for CYP11B2-related disorder. Last evaluated: 2023-11-20. Review status: criteria provided, single submitter. Criteria: ACMG Guidelines, 2015. Collection method: clinical testing. Allele origin: germline. Affected: yes.
Comment: ACMG:PVS1 PM2 PP4

Labcorp Genetics (formerly Invitae), Labcorp
Classification: Pathogenic. Last evaluated: 2022-04-14. Review status: criteria provided, single submitter. Criteria: Invitae Variant Classification Sherloc (09022015). Collection method: clinical testing. Allele origin: germline.
Comment: This sequence change creates a premature translational stop signal (p.Gln102*) in the CYP11B2 gene. It is expected to result in an absent or disrupted protein product. Loss-of-function variants in CYP11B2 are known to be pathogenic (PMID: 20494601, 22801770, 26936515). For these reasons, this variant has been classified as Pathogenic. This variant has not been reported in the literature in individuals affected with CYP11B2-related conditions. This variant is present in population databases (rs762727830, gnomAD 0.0009%).

Literature cited by the submitters: PubMed 20494601 (cited by Labcorp Genetics (formerly Invitae), Labcorp); PubMed 22801770 (cited by Labcorp Genetics (formerly Invitae), Labcorp); PubMed 26936515 (cited by Labcorp Genetics (formerly Invitae), Labcorp).

NM_000498.3(CYP11B2):c.304C>T (p.Gln102Ter)

Genes: CYP11B2 (cytochrome P450 family 11 subfamily B member 2; minus strand), LOC106799834 (CYP11B2 recombination region; plus strand). Cytogenetic location: 8q24.3.
Variant type: single nucleotide variant.
Coding change: c.304C>T on transcript NM_000498.3 (MANE Select); coding-DNA position 304, C replaced by T.
Protein change: p.Gln102Ter; replaces glutamine 102 with a stop codon.
Molecular consequence: nonsense.
Genome position (GRCh38, 1-based): chr8:142,917,150, G>A on the plus strand (C>T on the coding strand, the complement: CYP11B2 is on the minus strand). VCF-style: chr8-142917150-G-A. GRCh37 (hg19) VCF-style: chr8-143998566-G-A.
Other names: short protein forms Q102*.
Identifiers: ClinVar variation 1459254 (VCV001459254.8), dbSNP rs762727830, ClinGen allele CA4906294.